The following is an entry in ClinVar:

ClinVar aggregate classification (germline): Uncertain significance (1 of 4 stars; one submission).

gnomAD v4.1: 75 of 1,614,064 alleles (0.0046%); highest among the groups gnomAD compares: South Asian, 0.0077%; no homozygotes.

Submission:

Quest Diagnostics Nichols Institute San Juan Capistrano
Classification: Uncertain significance. Last evaluated: 2025-03-14. Review status: criteria provided, single submitter. Criteria: Quest Diagnostics criteria. Collection method: clinical testing. Allele origin: unknown.
Comment: The VWF c.5247G>A (p.Pro1749=) synonymous variant has not been reported in individuals with VWF-related conditions in the published literature. The frequency of this variant in the general population (Genome Aggregation Database) is uninformative in the assessment of its pathogenicity. Analysis of this variant using software algorithms for the prediction of the effect of nucleotide changes on splicing yielded predictions that this variant does not affect VWF mRNA splicing. Based on the available information, we are unable to determine the clinical significance of this variant.

NM_000552.5(VWF):c.5247G>A (p.Pro1749=)

Gene: VWF (von Willebrand factor; minus strand). Cytogenetic location: 12p13.31.
Variant type: single nucleotide variant.
Coding change: c.5247G>A on transcript NM_000552.5 (MANE Select); coding-DNA position 5247, G replaced by A.
Protein change: p.Pro1749=; no amino-acid change (proline 1749 retained).
Molecular consequence: synonymous variant.
Genome position (GRCh38, 1-based): chr12:6,016,580, C>T on the plus strand (G>A on the coding strand, the complement: VWF is on the minus strand). VCF-style: chr12-6016580-C-T. GRCh37 (hg19) VCF-style: chr12-6125746-C-T.
Identifiers: ClinVar variation 4533013 (VCV004533013.1).